The following is an entry in ClinVar:

NM_000030.3(AGXT):c.165+15_165+16insTCGCTCGGGGGGCCTGGGTCTCACCCATGTTCCCACCCACAGATCGTGGACGTAGGGAAGGGGGTCACTGCTTCC

Gene: AGXT (alanine--glyoxylate aminotransferase; plus strand). Cytogenetic location: 2q37.3.
Variant type: Microsatellite.
Coding change: c.165+15_165+16insTCGCTCGGGGGGCCTGGGTCTCACCCATGTTCCCACCCACAGATCGTGGACGTAGGGAAGGGGGTCACTGCTTCC on transcript NM_000030.3 (MANE Select); bases 15 to 16 of the intron after coding-DNA position 165, TCGCTCGGGGGGCCTGGGTCTCACCCATGTTCCCACCCACAGATCGTGGACGTAGGGAAGGGGGTCACTGCTTCC inserted.
Molecular consequence: intron variant.
Genome position: GRCh38, VCF-style position (the base before the change): chr2:240,869,044. GRCh37 (hg19), VCF-style position (the base before the change): chr2:241,808,461.
Identifiers: ClinVar variation 4526800 (VCV004526800.1).

ClinVar aggregate classification (germline): Uncertain significance (1 of 4 stars; one submission).

Conditions:
Primary hyperoxaluria, type I (HP1). Also called: GLYCOLIC ACIDURIA; HEPATIC AGT DEFICIENCY; OXALOSIS I; Primary hyperoxaluria type 1. Identifiers: Orphanet 416, Orphanet 93598, MedGen C0268164, MONDO:0009823, OMIM 259900. Disease mechanism: loss of function.

Submission:

Rare Kidney Stone Consortium and the Mayo Clinic Hyperoxaluria Center, Mayo Clinic
Classification: Uncertain significance for Primary hyperoxaluria, type I. Last evaluated: 2025-10-03. Review status: criteria provided, single submitter. Criteria: ACMG Guidelines, 2015. Collection method: research. Allele origin: germline. Affected: yes. Observed: 1 variant allele.
Comment: ACMG:PM2, PM3, PP4

Literature cited by the submitters: PubMed 40794449.